The following is an entry in ClinVar:

ClinVar aggregate classification (germline): Uncertain significance (1 of 4 stars; one submission).

Allele frequency attached by ClinVar (database versions not stated): gnomAD exomes below 0.00001; TOPMed below 0.00001; gnomAD 0.00001.
gnomAD v4.1: 2 of 1,589,670 alleles (0.00013%); highest among the groups gnomAD compares: Non-Finnish European, 0.00017%; no homozygotes.

Submission:

Labcorp Genetics (formerly Invitae), Labcorp
Classification: Uncertain significance. Last evaluated: 2021-03-31. Review status: criteria provided, single submitter. Criteria: Invitae Variant Classification Sherloc (09022015). Collection method: clinical testing. Allele origin: germline.
Comment: In summary, the available evidence is currently insufficient to determine the role of this variant in disease. Therefore, it has been classified as a Variant of Uncertain Significance. Algorithms developed to predict the effect of missense changes on protein structure and function (SIFT, PolyPhen-2, Align-GVGD) all suggest that this variant is likely to be tolerated, but these predictions have not been confirmed by published functional studies and their clinical significance is uncertain. This variant has not been reported in the literature in individuals with KIF11-related conditions. This variant is not present in population databases (ExAC no frequency). This sequence change replaces aspartic acid with alanine at codon 448 of the KIF11 protein (p.Asp448Ala). The aspartic acid residue is weakly conserved and there is a moderate physicochemical difference between aspartic acid and alanine.

NM_004523.4(KIF11):c.1343A>C (p.Asp448Ala)

Gene: KIF11 (kinesin family member 11; plus strand). Cytogenetic location: 10q23.33.
Variant type: single nucleotide variant.
Coding change: c.1343A>C on transcript NM_004523.4 (MANE Select); coding-DNA position 1343, A replaced by C.
Protein change: p.Asp448Ala; replaces aspartic acid 448 with alanine.
Molecular consequence: missense variant.
Genome position (GRCh38, 1-based): chr10:92,630,213, A>C. VCF-style: chr10-92630213-A-C. GRCh37 (hg19) VCF-style: chr10-94389970-A-C.
Other names: short protein forms D448A.
Identifiers: ClinVar variation 1467527 (VCV001467527.8), dbSNP rs1844721550, ClinGen allele CA377591660.